The following is an entry in ClinVar:

NM_001232.4(CASQ2):c.1051G>C (p.Asp351His)

Gene: CASQ2 (calsequestrin 2; minus strand). Cytogenetic location: 1p13.1.
Variant type: single nucleotide variant.
Coding change: c.1051G>C on transcript NM_001232.4 (MANE Select); coding-DNA position 1051, G replaced by C.
Protein change: p.Asp351His; replaces aspartic acid 351 with histidine.
Molecular consequence: missense variant.
Genome position (GRCh38, 1-based): chr1:115,701,390, C>G on the plus strand (G>C on the coding strand, the complement: CASQ2 is on the minus strand). VCF-style: chr1-115701390-C-G. GRCh37 (hg19) VCF-style: chr1-116244011-C-G.
Other names: short protein forms D351H.
Identifiers: ClinVar variation 4739746 (VCV004739746.1).

ClinVar aggregate classification (germline): Uncertain significance (1 of 4 stars; one submission).

Conditions:
Catecholaminergic polymorphic ventricular tachycardia 1. Also called: VENTRICULAR TACHYCARDIA, CATECHOLAMINERGIC POLYMORPHIC, 1, WITH OR WITHOUT ATRIAL DYSFUNCTION AND/OR DILATED CARDIOMYOPATHY; RYR2-Related Catecholaminergic Polymorphic Ventricular Tachycardia; VENTRICULAR TACHYCARDIA, STRESS-INDUCED POLYMORPHIC 1. Identifiers: Orphanet 3286, MedGen C1631597, MONDO:0011484, OMIM 604772.

gnomAD v4.1: 2 of 1,613,900 alleles (0.00012%); highest among the groups gnomAD compares: Non-Finnish European, 0.00017%; no homozygotes.

Submission:

Labcorp Genetics (formerly Invitae), Labcorp
Classification: Uncertain significance for Catecholaminergic polymorphic ventricular tachycardia 1. Last evaluated: 2025-09-23. Review status: criteria provided, single submitter. Criteria: Invitae Variant Classification Sherloc (09022015). Collection method: clinical testing. Allele origin: germline.
Comment: This sequence change replaces aspartic acid, which is acidic and polar, with histidine, which is basic and polar, at codon 351 of the CASQ2 protein (p.Asp351His). This variant is not present in population databases (gnomAD no frequency). This variant has not been reported in the literature in individuals affected with CASQ2-related conditions. Invitae Evidence Modeling of protein sequence and biophysical properties (such as structural, functional, and spatial information, amino acid conservation, physicochemical variation, residue mobility, and thermodynamic stability) indicates that this missense variant is not expected to disrupt CASQ2 protein function with a negative predictive value of 80%. In summary, the available evidence is currently insufficient to determine the role of this variant in disease. Therefore, it has been classified as a Variant of Uncertain Significance.